The following is an entry in ClinVar:

NM_001267550.2(TTN):c.72227T>A (p.Leu24076Ter)

Genes: TTN-AS1 (TTN antisense RNA 1; plus strand), TTN (titin; minus strand). Cytogenetic location: 2q31.2.
Variant type: single nucleotide variant.
Coding change: c.72227T>A on transcript NM_001267550.2 (MANE Select); coding-DNA position 72227, T replaced by A.
Protein change: p.Leu24076Ter; replaces leucine 24076 with a stop codon.
Molecular consequence: nonsense.
Genome position (GRCh38, 1-based): chr2:178,573,905, A>T on the plus strand (T>A on the coding strand, the complement: TTN is on the minus strand). VCF-style: chr2-178573905-A-T. GRCh37 (hg19) VCF-style: chr2-179438632-A-T.
Other names: c.72227T>A (LRG_391t1); c.67304T>A, p.Leu22435Ter (NM_001256850.1); c.45032T>A, p.Leu15011Ter (NM_003319.4); c.64523T>A, p.Leu21508Ter (NM_133378.4); c.45407T>A, p.Leu15136Ter (NM_133432.3); c.45608T>A, p.Leu15203Ter (NM_133437.4); short protein forms L24076*, L15011*, L15136*, L15203*, L21508*, L22435*.
Identifiers: ClinVar variation 636600 (VCV000636600.3), dbSNP rs1575780854, ClinGen allele CA349647954.
Genomic context (GRCh38, chr2:178,573,905, plus strand): 5'-TCCCTTCTTGTTGAATCTTTGTTTACCAGATTAGTAGAGAAATCTGCAATTTTTATTTCT[A>T]ACTTTGCTGTGCCTTCCAGCTCTTTTCCATCTTTGCTCCATTCCATTGTTGGAGGTGGGC-3'

ClinVar aggregate classification (germline): Likely pathogenic. Review status: criteria provided, multiple submitters, no conflicts (2 of 4 stars). 2 submissions from 2 submitters: Likely pathogenic (2). Last evaluated 2025-09-25.

Conditions:
TTN-related disorder. Also called: TTN-related condition; TTN-related disease; TTN-related disorders.
Dilated cardiomyopathy 1G (CMD1G). Identifiers: Orphanet 154, MedGen C1858763, MONDO:0011400, OMIM 604145.
Autosomal recessive limb-girdle muscular dystrophy type 2J (LGMDR10). Also called: Limb-girdle muscular dystrophy, type 2J; MUSCULAR DYSTROPHY, LIMB-GIRDLE, AUTOSOMAL RECESSIVE 10. Identifiers: Orphanet 140922, MedGen C1837342, MONDO:0012127, OMIM 608807.

Allele frequency attached by ClinVar (database versions not stated): gnomAD 0.00001.
gnomAD v4.1: 1 of 1,611,376 alleles (0.000062%); no homozygotes.

Submissions (2):

Labcorp Genetics (formerly Invitae), Labcorp
Classification: Likely pathogenic for Dilated cardiomyopathy 1G; Autosomal recessive limb-girdle muscular dystrophy type 2J. Last evaluated: 2025-09-25. Review status: criteria provided, single submitter. Criteria: Invitae Variant Classification Sherloc (09022015). Collection method: clinical testing. Allele origin: germline.
Comment: This sequence change creates a premature translational stop signal (p.Leu24076*) in the TTN gene. While this is not anticipated to result in nonsense mediated decay, it is expected to create a truncated TTN protein. This variant is not present in population databases (gnomAD no frequency). This variant has not been reported in the literature in individuals affected with TTN-related conditions. ClinVar contains an entry for this variant (Variation ID: 636600). Algorithms developed to predict the effect of sequence changes on RNA splicing suggest that this variant may create or strengthen a splice site. This variant is located in the A band of TTN (PMID: 25589632). Truncating variants in this region are significantly overrepresented in patients affected with dilated cardiomyopathy (PMID: 25589632). Truncating variants in this region have also been reported in individuals affected with autosomal recessive centronuclear myopathy (PMID: 23975875). In summary, the currently available evidence indicates that the variant is pathogenic, but additional data are needed to prove that conclusively. Therefore, this variant has been classified as Likely Pathogenic.

Blueprint Genetics
Classification: Likely pathogenic for TTN-related disorders. Last evaluated: 2019-09-09. Review status: criteria provided, single submitter. Criteria: ACMG Guidelines, 2015. Collection method: clinical testing. Allele origin: germline. Affected: yes. Observed: 2 variant alleles.

Literature cited by the submitters: PubMed 25589632 (cited by Labcorp Genetics (formerly Invitae), Labcorp); PubMed 23975875 (cited by Labcorp Genetics (formerly Invitae), Labcorp).